The following is an entry in ClinVar:

NC_000023.10:g.(?_123025068)_(123041031_?)del

Gene: XIAP (X-linked inhibitor of apoptosis; plus strand). Cytogenetic location: Xq25.
Variant type: Deletion.
Identifiers: ClinVar variation 3244562 (VCV003244562.1).

ClinVar aggregate classification (germline): Pathogenic (1 of 4 stars; one submission).

Conditions:
X-linked lymphoproliferative disease due to XIAP deficiency. Also called: XIAP-Related Lymphoproliferative Disease, X-Linked; XIAP DEFICIENCY. Identifiers: Orphanet 2442, Orphanet 538934, MedGen C1845076, MONDO:0010385, OMIM 300635.

Submission:

Labcorp Genetics (formerly Invitae), Labcorp
Classification: Pathogenic for X-linked lymphoproliferative disease due to XIAP deficiency. Last evaluated: 2023-03-23. Review status: criteria provided, single submitter. Criteria: Invitae Variant Classification Sherloc (09022015). Collection method: clinical testing. Allele origin: unknown.
Comment: For these reasons, this variant has been classified as Pathogenic. This variant disrupts a region of the XIAP protein in which other variant(s) (p.Gln440*) have been determined to be pathogenic (Invitae). This suggests that this is a clinically significant region of the protein, and that variants that disrupt it are likely to be disease-causing. This variant has not been reported in the literature in individuals affected with XIAP-related conditions. This variant is a gross deletion of the genomic region encompassing exon(s) 4-7 of the XIAP gene, which includes the termination codon. This deletion extends beyond the assayed region for this gene and therefore may encompass additional genes. While this deletion is not anticipated to lead to nonsense mediated decay, it is expected to alter mRNA translation or result in a truncated protein product.